The following is an entry in ClinVar:

NM_199420.4(POLQ):c.1646A>G (p.Asp549Gly)

Gene: POLQ (DNA polymerase theta; minus strand). Cytogenetic location: 3q13.33.
Variant type: single nucleotide variant.
Coding change: c.1646A>G on transcript NM_199420.4 (MANE Select); coding-DNA position 1646, A replaced by G.
Protein change: p.Asp549Gly; replaces aspartic acid 549 with glycine.
Molecular consequence: missense variant.
Genome position (GRCh38, 1-based): chr3:121,510,209, T>C on the plus strand (A>G on the coding strand, the complement: POLQ is on the minus strand). VCF-style: chr3-121510209-T-C. GRCh37 (hg19) VCF-style: chr3-121229056-T-C.
Other names: short protein forms D549G.
Identifiers: ClinVar variation 3422517 (VCV003422517.1).

ClinVar aggregate classification (germline): Uncertain significance (1 of 4 stars; one submission).

Submission:

Ambry Genetics
Classification: Uncertain significance. Last evaluated: 2024-08-27. Review status: criteria provided, single submitter. Criteria: Ambry Variant Classification Scheme 2023. Collection method: clinical testing. Allele origin: germline.
Comment: The p.D549G variant (also known as c.1646A>G), located in coding exon 11 of the POLQ gene, results from an A to G substitution at nucleotide position 1646. The aspartic acid at codon 549 is replaced by glycine, an amino acid with similar properties. This amino acid position is conserved. In addition, the in silico prediction for this alteration is inconclusive. Based on the available evidence, the clinical significance of this variant remains unclear.